The following is an entry in ClinVar:

ClinVar aggregate classification (germline): Uncertain significance (1 of 4 stars; one submission).

Submission:

Ambry Genetics
Classification: Uncertain significance. Last evaluated: 2022-03-26. Review status: criteria provided, single submitter. Criteria: Ambry Variant Classification Scheme 2023. Collection method: clinical testing. Allele origin: germline.
Comment: The p.G615R variant (also known as c.1843G>C), located in coding exon 12 of the POLQ gene, results from a G to C substitution at nucleotide position 1843. The glycine at codon 615 is replaced by arginine, an amino acid with dissimilar properties. This amino acid position is conserved. In addition, this alteration is predicted to be deleterious by in silico analysis. Since supporting evidence is limited at this time, the clinical significance of this alteration remains unclear.

NM_199420.4(POLQ):c.1843G>C (p.Gly615Arg)

Gene: POLQ (DNA polymerase theta; minus strand). Cytogenetic location: 3q13.33.
Variant type: single nucleotide variant.
Coding change: c.1843G>C on transcript NM_199420.4 (MANE Select); coding-DNA position 1843, G replaced by C.
Protein change: p.Gly615Arg; replaces glycine 615 with arginine.
Molecular consequence: missense variant.
Genome position (GRCh38, 1-based): chr3:121,509,677, C>G on the plus strand (G>C on the coding strand, the complement: POLQ is on the minus strand). VCF-style: chr3-121509677-C-G. GRCh37 (hg19) VCF-style: chr3-121228524-C-G.
Other names: short protein forms G615R.
Identifiers: ClinVar variation 1781204 (VCV001781204.2), dbSNP rs777469729, ClinGen allele CA354113915.